The following is an entry in ClinVar:

NM_000202.8(IDS):c.133G>C (p.Asp45His)

Gene: IDS (iduronate 2-sulfatase; minus strand). Cytogenetic location: Xq28.
Variant type: single nucleotide variant.
Coding change: c.133G>C on transcript NM_000202.8 (MANE Select); coding-DNA position 133, G replaced by C.
Protein change: p.Asp45His; replaces aspartic acid 45 with histidine.
Molecular consequence: missense variant. On other transcripts: 5 prime UTR variant (1), non-coding transcript variant (1).
Genome position (GRCh38, 1-based): chrX:149,504,264, C>G on the plus strand (G>C on the coding strand, the complement: IDS is on the minus strand). VCF-style: chrX-149504264-C-G. GRCh37 (hg19) VCF-style: chrX-148585794-C-G.
Other names: c.-94G>C (NM_001166550.4); c.133G>C, p.Asp45His (NM_006123.5); short protein forms D45H.
Identifiers: ClinVar variation 221970 (VCV000221970.9), dbSNP rs869025301, ClinGen allele CA356953.

ClinVar aggregate classification (germline): Pathogenic/Likely pathogenic. Review status: criteria provided, multiple submitters, no conflicts (2 of 4 stars). 3 submissions from 3 submitters: Pathogenic (2); Likely pathogenic (1). Last evaluated 2024-06-07.

Conditions:
Mucopolysaccharidosis, MPS-II (MPS2). Also called: Hunter Syndrome; Mucopolysaccharidosis with skin involvement; Mucopolysaccharidosis type 2; IDURONATE 2-SULFATASE DEFICIENCY; Mucopolysaccharidosis Type II; IDS deficiency. Identifiers: Orphanet 580, Orphanet 79388, MedGen C0026705, MONDO:0010674, OMIM 309900.

Submissions (3):

Laboratory of Diagnosis and Therapy of Lysosomal Disorders, University of Padova
Classification: Pathogenic for Mucopolysaccharidosis, MPS-II. Last evaluated: 2024-06-07. Review status: criteria provided, single submitter. Criteria: ACMG Guidelines, 2015. Collection method: literature only. Allele origin: germline. Affected: yes. Observed: 1 variant allele.
Comment: Located in a mutational hot spot and/or critical functional domain (PM1_Moderate), Absent from controls (or at low frequency) in gnomAD database (PM2_Moderate), Missense variant in a gene with a low rate of benign missense variation (PP2_Supporting), Multiple lines of computational evidence support a deleterious effect (PP3_Supporting), Patient’s phenotype or family history highly specific for the disease (PP4_Strong)

Classification method: ACMG Guidelines [PMID:25741868] with modifications

Labcorp Genetics (formerly Invitae), Labcorp
Classification: Pathogenic for Mucopolysaccharidosis, MPS-II. Last evaluated: 2022-01-14. Review status: criteria provided, single submitter. Criteria: Invitae Variant Classification Sherloc (09022015). Collection method: clinical testing. Allele origin: germline.
Comment: For these reasons, this variant has been classified as Pathogenic. This variant disrupts the p.Asp45 amino acid residue in IDS. Other variant(s) that disrupt this residue have been observed in individuals with IDS-related conditions (PMID: 9875019, 24125893), which suggests that this may be a clinically significant amino acid residue. Advanced modeling of protein sequence and biophysical properties (such as structural, functional, and spatial information, amino acid conservation, physicochemical variation, residue mobility, and thermodynamic stability) performed at Invitae indicates that this missense variant is expected to disrupt IDS protein function. ClinVar contains an entry for this variant (Variation ID: 221970). This missense change has been observed in individual(s) with mucopolysaccharidosis type II (PMID: 26762690; Invitae). This variant is not present in population databases (gnomAD no frequency). This sequence change replaces aspartic acid, which is acidic and polar, with histidine, which is basic and polar, at codon 45 of the IDS protein (p.Asp45His).

MOLECULAR BIOLOGY LABORATORY, INSTITUTO NACIONAL DE PEDIATRIA
Classification: Likely pathogenic for Mucopolysaccharidosis, MPS-II. Last evaluated: 2015-10-18. Review status: criteria provided, single submitter. Criteria: ACMG Guidelines, 2007. Collection method: research. Allele origin: maternal. Affected: yes. Observed: 1 variant allele.
Comment: No hydrocephaly. Pathogenicity clues: Highly conserved nucleotide (phyloP: 0.86 [-5.2;1.1]); Highly conserved amino acid, up to Fruitfly (considering 12 species); Moderate physicochemical difference between Asp and His (Grantham dist.: 81 [0-215]); This variant is in protein domains: Sulfatase, Alkaline-phosphatase-like, core domain, Align GVGD: C0 (GV: 213.16 - GD: 59.84); SIFT: Deleterious (score: 0, median: 3.50); MutationTaster: disease causing (p-value: 1); Polyphen prediction: Probably Damaging (HumDiv score 1.0)

Variation absent in 133 IDS normal alleles (MwoI restriction) from Mexican-descent healthy controls.

Literature cited by the submitters: PubMed 26762690 (cited by 3 submitters); PubMed 9875019 (cited by Labcorp Genetics (formerly Invitae), Labcorp); PubMed 24125893 (cited by Labcorp Genetics (formerly Invitae), Labcorp).